The following is an entry in ClinVar:

ClinVar aggregate classification (germline): Benign/Likely benign. Review status: criteria provided, multiple submitters, no conflicts (2 of 4 stars). 3 submissions from 3 submitters: Benign (1); Likely benign (1). 1 of the submissions does not count toward it. Last evaluated 2025-10-21.

Conditions:
DZIP1L-related disorder. Also called: DZIP1L-related condition.

Allele frequency attached by ClinVar (database versions not stated): 1000 Genomes Project 0.00040; 1000 Genomes Project 30x 0.00047; ESP Exome Variant Server 0.00115.
gnomAD v4.1: 3,250 of 1,614,160 alleles (0.2%); highest among the groups gnomAD compares: Non-Finnish European, 0.24%; 8 homozygotes.

Submissions (7):

Labcorp Genetics (formerly Invitae), Labcorp
Classification: Benign. Last evaluated: 2025-10-21. Review status: criteria provided, single submitter. Criteria: Invitae Variant Classification Sherloc (09022015). Collection method: clinical testing. Allele origin: germline.

Blueprint Genetics
Classification: Likely benign. Last evaluated: 2024-10-01. Review status: criteria provided, single submitter. Criteria: ACMG Guidelines, 2015. Collection method: clinical testing. Allele origin: germline.

PreventionGenetics, part of Exact Sciences
Classification: Likely benign for DZIP1L-related condition. Last evaluated: 2022-06-15. Review status: no assertion criteria provided. Collection method: clinical testing. Allele origin: germline. Not counted in ClinVar's aggregate classification.
Comment: This variant is classified as likely benign based on ACMG/AMP sequence variant interpretation guidelines (Richards et al. 2015 PMID: 25741868, with internal and published modifications).

Dr. Peter K. Rogan Lab, Western University
No classification provided (evidence only). Condition: Lung cancer. Review status: no classification provided. Collection method: in vitro. Allele origin: not applicable. Functional consequence: retained intron. Not counted in ClinVar's aggregate classification.

Dr. Peter K. Rogan Lab, Western University
No classification provided (evidence only). Condition: Lung cancer. Review status: no classification provided. Collection method: in vitro. Allele origin: not applicable. Functional consequence: retained intron. Not counted in ClinVar's aggregate classification.

Dr. Peter K. Rogan Lab, Western University
No classification provided (evidence only). Condition: Uterine corpus endometrial carcinoma. Review status: no classification provided. Collection method: in vitro. Allele origin: not applicable. Functional consequence: retained intron. Not counted in ClinVar's aggregate classification.

Dr. Peter K. Rogan Lab, Western University
No classification provided (evidence only). Condition: Sarcoma. Review status: no classification provided. Collection method: in vitro. Allele origin: not applicable. Functional consequence: retained intron. Not counted in ClinVar's aggregate classification.

NM_173543.3(DZIP1L):c.1339C>T (p.Arg447Cys)

Gene: DZIP1L (DAZ interacting zinc finger protein 1 like; minus strand). Cytogenetic location: 3q22.3.
Variant type: single nucleotide variant.
Coding change: c.1339C>T on transcript NM_173543.3 (MANE Select); coding-DNA position 1339, C replaced by T.
Protein change: p.Arg447Cys; replaces arginine 447 with cysteine.
Molecular consequence: missense variant.
Genome position (GRCh38, 1-based): chr3:138,077,582, G>A on the plus strand (C>T on the coding strand, the complement: DZIP1L is on the minus strand). VCF-style: chr3-138077582-G-A. GRCh37 (hg19) VCF-style: chr3-137796424-G-A.
Other names: c.1339C>T, p.Arg447Cys (NM_001170538.1); c.1339C>T (NM_173543.2); short protein forms R447C.
Identifiers: ClinVar variation 2038176 (VCV002038176.8), dbSNP rs114974820, ClinGen allele CA2634938.
Genomic context (GRCh38, chr3:138,077,582, plus strand): 5'-GCTTCTCTTCCAGGGTGTCCTCCAGGATTGGTCTGAAGTGCTTCAGCAAAGTGGGGTTAC[G>A]CCTCAGAGCTGCCAGCACCTTGTGCTGTTCATCCTGGGAGTCCTCCATCTCTGTAGCATG-3'
Protein context (NP_775814.2, residues 437-457): EQHKVLAALR[Arg447Cys]NPTLLKHFRP